The following is an entry in ClinVar:

NM_001184880.2(PCDH19):c.2255A>G (p.Lys752Arg)

Genes: PCDH19 (protocadherin 19; minus strand), LOC125467768 (CDK7 strongly-dependent group 2 enhancer GRCh37_chrX:99657381-99658580; plus strand). Cytogenetic location: Xq22.1.
Variant type: single nucleotide variant.
Coding change: c.2255A>G on transcript NM_001184880.2 (MANE Select); coding-DNA position 2255, A replaced by G.
Protein change: p.Lys752Arg; replaces lysine 752 with arginine.
Molecular consequence: missense variant. On other transcripts: intron variant (2).
Genome position (GRCh38, 1-based): chrX:100,403,557, T>C on the plus strand (A>G on the coding strand, the complement: PCDH19 is on the minus strand). VCF-style: chrX-100403557-T-C. GRCh37 (hg19) VCF-style: chrX-99658555-T-C.
Other names: c.2148-706A>G (NM_020766.3, NM_001105243.2); short protein forms K752R.
Identifiers: ClinVar variation 465298 (VCV000465298.10), dbSNP rs1452944576, ClinGen allele CA414006786.

ClinVar aggregate classification (germline): Uncertain significance. Review status: criteria provided, multiple submitters, no conflicts (2 of 4 stars). 2 submissions from 2 submitters: Uncertain significance (2). Last evaluated 2025-08-29.

Conditions:
Inborn genetic diseases. Identifiers: MedGen C0950123, MeSH D030342.
Developmental and epileptic encephalopathy, 9 (DEE9). Also called: Early infantile epileptic encephalopathy 9; PCDH19-Related X-Linked Female-Limited Epilepsy with Mental Retardation; EPILEPSY, FEMALE-RESTRICTED, WITH MENTAL RETARDATION; JUBERG-HELLMAN SYNDROME. Identifiers: Orphanet 101039, Orphanet 2076, MedGen C1848137, MONDO:0010246, OMIM 300088. Disease mechanism: loss of function.

Allele frequency attached by ClinVar (database versions not stated): TOPMed below 0.00001.
gnomAD v4.1: 2 of 1,210,296 alleles (0.00017%); highest among the groups gnomAD compares: Admixed American, 0.0043%; no homozygotes.

Submissions (2):

Labcorp Genetics (formerly Invitae), Labcorp
Classification: Uncertain significance for Developmental and epileptic encephalopathy, 9. Last evaluated: 2025-08-29. Review status: criteria provided, single submitter. Criteria: Invitae Variant Classification Sherloc (09022015). Collection method: clinical testing. Allele origin: germline.
Comment: This sequence change replaces lysine, which is basic and polar, with arginine, which is basic and polar, at codon 752 of the PCDH19 protein (p.Lys752Arg). The frequency data for this variant in the population databases is considered unreliable, as metrics indicate poor data quality at this position in the gnomAD database. This variant has not been reported in the literature in individuals affected with PCDH19-related conditions. ClinVar contains an entry for this variant (Variation ID: 465298). Invitae Evidence Modeling of protein sequence and biophysical properties (such as structural, functional, and spatial information, amino acid conservation, physicochemical variation, residue mobility, and thermodynamic stability) indicates that this missense variant is not expected to disrupt PCDH19 protein function with a negative predictive value of 95%. In summary, the available evidence is currently insufficient to determine the role of this variant in disease. Therefore, it has been classified as a Variant of Uncertain Significance.

Ambry Genetics
Classification: Uncertain significance for Inborn genetic diseases. Last evaluated: 2021-12-06. Review status: criteria provided, single submitter. Criteria: Ambry Variant Classification Scheme 2023. Collection method: clinical testing. Allele origin: germline.